The following is an entry in ClinVar:

ClinVar aggregate classification (germline): Uncertain significance (1 of 4 stars; one submission).

Submission:

GeneDx
Classification: Uncertain significance. Last evaluated: 2026-04-11. Review status: criteria provided, single submitter. Criteria: GeneDx Variant Classification Process June 2021. Collection method: clinical testing. Allele origin: germline.
Comment: Not observed at significant frequency in large population cohorts (gnomAD); In silico analysis suggests that this missense variant does not alter protein structure/function; Has not been previously published as pathogenic or benign to our knowledge

NM_018489.3(ASH1L):c.8276T>G (p.Leu2759Arg)

Gene: ASH1L (ASH1 like histone lysine methyltransferase; minus strand). Cytogenetic location: 1q22.
Variant type: single nucleotide variant.
Coding change: c.8276T>G on transcript NM_018489.3 (MANE Select); coding-DNA position 8276, T replaced by G.
Protein change: p.Leu2759Arg; replaces leucine 2759 with arginine.
Molecular consequence: missense variant.
Genome position (GRCh38, 1-based): chr1:155,343,331, A>C on the plus strand (T>G on the coding strand, the complement: ASH1L is on the minus strand). VCF-style: chr1-155343331-A-C. GRCh37 (hg19) VCF-style: chr1-155313122-A-C.
Other names: c.8291T>G, p.Leu2764Arg (NM_001366177.2); short protein forms L2759R, L2764R.
Identifiers: ClinVar variation 5037069 (VCV005037069.1).